The following is an entry in ClinVar:

NM_000092.5(COL4A4):c.114+2T>C

Gene: COL4A4 (collagen type IV alpha 4 chain; minus strand). Cytogenetic location: 2q36.3.
Variant type: single nucleotide variant.
Coding change: c.114+2T>C on transcript NM_000092.5 (MANE Select); the canonical splice donor site of the intron after coding-DNA position 114, T replaced by C.
Molecular consequence: splice donor variant.
Genome position (GRCh38, 1-based): chr2:227,144,514, A>G on the plus strand (T>C on the coding strand, the complement: COL4A4 is on the minus strand). VCF-style: chr2-227144514-A-G. GRCh37 (hg19) VCF-style: chr2-228009230-A-G.
Identifiers: ClinVar variation 4817286 (VCV004817286.1).

ClinVar aggregate classification (germline): Likely pathogenic (1 of 4 stars; one submission).

Conditions:
Alport syndrome. Also called: Hemorrhagic familial nephritis; Hemorrhagic hereditary nephritis; Congenital hereditary hematuria. Identifiers: Orphanet 63, MedGen C1567741, MONDO:0018965.

Submission:

Natera, Inc.
Classification: Likely pathogenic for Alport syndrome. Last evaluated: 2025-10-13. Review status: criteria provided, single submitter. Criteria: Natera Variant Classification Schema (03/2026). Collection method: clinical testing. Allele origin: germline.
Comment: The c.114+2T>C variant in COL4A4 is a canonical splice donor site variant predicted to affect pre-mRNA splicing, which may result in an abnormal transcript and altered protein product. This variant is expected to result in nonsense mediated decay, truncation, or a dysfunctional protein product. This variant is rare in the general population with a frequency below the threshold expected for the associated phenotype(s). Given the available evidence, this variant is classified as Likely Pathogenic.